The following is an entry in ClinVar:

ClinVar aggregate classification (germline): Uncertain significance (1 of 4 stars; one submission).

Conditions:
Osteogenesis imperfecta type I (OI1). Also called: Classic Non-deforming Osteogenesis Imperfecta with Blue Sclerae; Lobstein disease; OI, TYPE I; OSTEOGENESIS IMPERFECTA TARDA; OSTEOGENESIS IMPERFECTA WITH BLUE SCLERAE; Osteogenesis imperfecta type 1. Identifiers: Orphanet 216796, Orphanet 666, MedGen C0023931, MONDO:0008146, OMIM 166200. Disease mechanism: loss of function.

Allele frequency attached by ClinVar (database versions not stated): ExAC 0.00001; gnomAD 0.00002; 1000 Genomes Project 30x 0.00016; 1000 Genomes Project 0.00020.
gnomAD v4.1: 17 of 1,613,420 alleles (0.0011%); highest among the groups gnomAD compares: East Asian, 0.0022%; no homozygotes.

Submission:

Labcorp Genetics (formerly Invitae), Labcorp
Classification: Uncertain significance for Osteogenesis imperfecta type I. Last evaluated: 2025-03-13. Review status: criteria provided, single submitter. Criteria: Invitae Variant Classification Sherloc (09022015). Collection method: clinical testing. Allele origin: germline.
Comment: This sequence change replaces glycine, which is neutral and non-polar, with arginine, which is basic and polar, at codon 173 of the COL1A1 protein (p.Gly173Arg). This variant is present in population databases (rs193922157, gnomAD 0.006%). This missense change has been observed in individual(s) with clinical features of COL1A1-related conditions (PMID: 26432670, 35723357). ClinVar contains an entry for this variant (Variation ID: 2736629). Invitae Evidence Modeling of protein sequence and biophysical properties (such as structural, functional, and spatial information, amino acid conservation, physicochemical variation, residue mobility, and thermodynamic stability) has been performed for this missense variant. However, the output from this modeling did not meet the statistical confidence thresholds required to predict the impact of this variant on COL1A1 protein function. In summary, the available evidence is currently insufficient to determine the role of this variant in disease. Therefore, it has been classified as a Variant of Uncertain Significance.

Literature cited by the submitters: PubMed 26432670; PubMed 35723357.

NM_000088.4(COL1A1):c.517G>A (p.Gly173Arg)

Gene: COL1A1 (collagen type I alpha 1 chain; minus strand). Cytogenetic location: 17q21.33.
Variant type: single nucleotide variant.
Coding change: c.517G>A on transcript NM_000088.4 (MANE Select); coding-DNA position 517, G replaced by A.
Protein change: p.Gly173Arg; replaces glycine 173 with arginine.
Molecular consequence: missense variant.
Genome position (GRCh38, 1-based): chr17:50,198,459, C>T on the plus strand (G>A on the coding strand, the complement: COL1A1 is on the minus strand). VCF-style: chr17-50198459-C-T. GRCh37 (hg19) VCF-style: chr17-48275820-C-T.
Other names: short protein forms G173R.
Identifiers: ClinVar variation 2736629 (VCV002736629.3), dbSNP rs193922157, ClinGen allele CA8645683.
Genomic context (GRCh38, chr17:50,198,459, plus strand): 5'-TCTTCTGTCATCCATGCTCCCCCTGCTGGCTCACCATGGGGCCAGGCACGGAAATTCCTC[C>T]GGTTGATTTCTCATCATAGCCATAAGACAGCTGGGGAGCAAAGTTCTAGAACAAACAAGA-3'
Protein context (NP_000079.2, residues 163-183): LSYGYDEKST[Gly173Arg]GISVPGPMGP